The following is an entry in ClinVar:

ClinVar aggregate classification (germline): Uncertain significance. Review status: criteria provided, multiple submitters, no conflicts (2 of 4 stars). 2 submissions from 2 submitters: Uncertain significance (2). Last evaluated 2025-06-22.

Allele frequency attached by ClinVar (database versions not stated): gnomAD exomes 0.00001 and 0.00002; TOPMed 0.00001; ExAC 0.00005.
gnomAD v4.1: 21 of 1,184,053 alleles (0.0018%); highest among the groups gnomAD compares: Non-Finnish European, 0.0022%; no homozygotes.

Submissions (2):

Labcorp Genetics (formerly Invitae), Labcorp
Classification: Uncertain significance. Last evaluated: 2025-06-22. Review status: criteria provided, single submitter. Criteria: Invitae Variant Classification Sherloc (09022015). Collection method: clinical testing. Allele origin: germline.
Comment: This sequence change replaces arginine, which is basic and polar, with cysteine, which is neutral and slightly polar, at codon 452 of the CACNA1F protein (p.Arg452Cys). The frequency data for this variant in the population databases is considered unreliable, as metrics indicate poor data quality at this position in the gnomAD database. This variant has not been reported in the literature in individuals affected with CACNA1F-related conditions. ClinVar contains an entry for this variant (Variation ID: 1410056). An algorithm developed to predict the effect of missense changes on protein structure and function (PolyPhen-2) suggests that this variant is likely to be disruptive. In summary, the available evidence is currently insufficient to determine the role of this variant in disease. Therefore, it has been classified as a Variant of Uncertain Significance.

Blueprint Genetics
Classification: Uncertain significance. Last evaluated: 2019-09-29. Review status: criteria provided, single submitter. Criteria: ACMG Guidelines, 2015. Collection method: clinical testing. Allele origin: germline.

NM_001256789.3(CACNA1F):c.1321C>T (p.Arg441Cys)

Gene: CACNA1F (calcium voltage-gated channel subunit alpha1 F; minus strand). Cytogenetic location: Xp11.23.
Variant type: single nucleotide variant.
Coding change: c.1321C>T on transcript NM_001256789.3 (MANE Select); coding-DNA position 1321, C replaced by T.
Protein change: p.Arg441Cys; replaces arginine 441 with cysteine.
Molecular consequence: missense variant.
Genome position (GRCh38, 1-based): chrX:49,226,658, G>A on the plus strand (C>T on the coding strand, the complement: CACNA1F is on the minus strand). VCF-style: chrX-49226658-G-A. GRCh37 (hg19) VCF-style: chrX-49083120-G-A.
Other names: c.1159C>T, p.Arg387Cys (NM_001256790.3); c.1354C>T, p.Arg452Cys (NM_005183.4); short protein forms R441C, R387C, R452C.
Identifiers: ClinVar variation 1410056 (VCV001410056.9), dbSNP rs782537377, ClinGen allele CA10410895.